The following is an entry in ClinVar:

NM_206933.4(USH2A):c.3850del (p.Arg1284fs)

Genes: USH2A (usherin; minus strand), USH2A-AS1 (USH2A antisense RNA 1; plus strand). Cytogenetic location: 1q41.
Variant type: Deletion.
Coding change: c.3850del on transcript NM_206933.4 (MANE Select); coding-DNA position 3850, one base deleted (A; older notation c.3850delA).
Protein change: p.Arg1284fs; shifts the reading frame from arginine 1284.
Molecular consequence: frameshift variant.
Genome position (GRCh38, 1-based): chr1:216,198,546, T deleted on the plus strand (A on the coding strand, the reverse complement: USH2A is on the minus strand). VCF-style (leftmost placement, unchanged base first): chr1-216198545-CT-C. GRCh37 (hg19) VCF-style: chr1-216371887-CT-C.
Other names: c.3850del, p.Arg1284fs (NM_007123.6); short protein forms R1284fs.
Identifiers: ClinVar variation 1071459 (VCV001071459.7), dbSNP rs2102464376, ClinGen allele CA2499214523.

ClinVar aggregate classification (germline): Pathogenic (1 of 4 stars; one submission).

Submission:

Labcorp Genetics (formerly Invitae), Labcorp
Classification: Pathogenic. Last evaluated: 2020-02-01. Review status: criteria provided, single submitter. Criteria: Invitae Variant Classification Sherloc (09022015). Collection method: clinical testing. Allele origin: germline.
Comment: For these reasons, this variant has been classified as Pathogenic. Loss-of-function variants in USH2A are known to be pathogenic (PMID: 10729113, 10909849, 20507924, 25649381). This variant has not been reported in the literature in individuals with USH2A-related conditions. This variant is not present in population databases (ExAC no frequency). This sequence change creates a premature translational stop signal (p.Arg1284Aspfs*26) in the USH2A gene. It is expected to result in an absent or disrupted protein product.

Literature cited by the submitters: PubMed 10729113; PubMed 10909849; PubMed 20507924; PubMed 25649381.